The following is an entry in ClinVar:

NM_002361.4(MAG):c.230G>T (p.Arg77Leu)

Gene: MAG (myelin associated glycoprotein; plus strand). Cytogenetic location: 19q13.12.
Variant type: single nucleotide variant.
Coding change: c.230G>T on transcript NM_002361.4 (MANE Select); coding-DNA position 230, G replaced by T.
Protein change: p.Arg77Leu; replaces arginine 77 with leucine.
Molecular consequence: missense variant.
Genome position (GRCh38, 1-based): chr19:35,295,796, G>T. VCF-style: chr19-35295796-G-T. GRCh37 (hg19) VCF-style: chr19-35786699-G-T.
Other names: c.155G>T, p.Arg52Leu (NM_001199216.2); c.230G>T, p.Arg77Leu (NM_080600.3); c.230G>T (NM_002361.3); short protein forms R77L, R52L.
Identifiers: ClinVar variation 2055278 (VCV002055278.3), dbSNP rs140544202, ClinGen allele CA307750081.
Genomic context (GRCh38, chr19:35,295,796, plus strand): 5'-GTGTCTGGTACTTCAATAGCCCCTACCCCAAGAACTACCCCCCGGTGGTCTTCAAGTCGC[G>T]CACCCAAGTAGTCCACGAGAGCTTCCAGGGCCGCAGCCGCCTCCTGGGGGACCTGGGCCT-3'
Protein context (NP_002352.1, residues 67-87): KNYPPVVFKS[Arg77Leu]TQVVHESFQG

ClinVar aggregate classification (germline): Uncertain significance. Review status: criteria provided, multiple submitters, no conflicts (2 of 4 stars). 2 submissions from 2 submitters: Uncertain significance (2). Last evaluated 2025-02-10.

Conditions:
Hereditary spastic paraplegia 75. Also called: Spastic paraplegia 75, autosomal recessive. Identifiers: Orphanet 459056, MedGen C4225250, MONDO:0014729, OMIM 616680.
Inborn genetic diseases. Identifiers: MedGen C0950123, MeSH D030342.

gnomAD v4.1: 12 of 1,613,614 alleles (0.00074%); highest among the groups gnomAD compares: African/African-American, 0.011%; no homozygotes.

Submissions (2):

Labcorp Genetics (formerly Invitae), Labcorp
Classification: Uncertain significance for Hereditary spastic paraplegia 75. Last evaluated: 2025-02-10. Review status: criteria provided, single submitter. Criteria: Invitae Variant Classification Sherloc (09022015). Collection method: clinical testing. Allele origin: germline.
Comment: This sequence change replaces arginine, which is basic and polar, with leucine, which is neutral and non-polar, at codon 77 of the MAG protein (p.Arg77Leu). The frequency data for this variant in the population databases is considered unreliable, as metrics indicate poor data quality at this position in the gnomAD database. This variant has not been reported in the literature in individuals affected with MAG-related conditions. ClinVar contains an entry for this variant (Variation ID: 2055278). An algorithm developed to predict the effect of missense changes on protein structure and function (PolyPhen-2) suggests that this variant is likely to be disruptive. In summary, the available evidence is currently insufficient to determine the role of this variant in disease. Therefore, it has been classified as a Variant of Uncertain Significance.

Ambry Genetics
Classification: Uncertain significance for Inborn genetic diseases. Last evaluated: 2024-12-14. Review status: criteria provided, single submitter. Criteria: Ambry Variant Classification Scheme 2023. Collection method: clinical testing. Allele origin: germline.